The following is an entry in ClinVar:

NM_001270508.2(TNFAIP3):c.1383A>C (p.Pro461=)

Gene: TNFAIP3 (TNF alpha induced protein 3; plus strand). Cytogenetic location: 6q23.3.
Variant type: single nucleotide variant.
Coding change: c.1383A>C on transcript NM_001270508.2 (MANE Select); coding-DNA position 1383, A replaced by C.
Protein change: p.Pro461=; no amino-acid change (proline 461 retained).
Molecular consequence: synonymous variant.
Genome position (GRCh38, 1-based): chr6:137,878,828, A>C. VCF-style: chr6-137878828-A-C. GRCh37 (hg19) VCF-style: chr6-138199965-A-C.
Other names: c.1383A>C, p.Pro461= (NM_001270507.2, NM_006290.4).
Identifiers: ClinVar variation 4534161 (VCV004534161.6).

ClinVar aggregate classification (germline): Likely benign (1 of 4 stars; one submission).

Submission:

CeGaT Center for Human Genetics Tuebingen
Classification: Likely benign. Last evaluated: 2025-11-01. Review status: criteria provided, single submitter. Criteria: CeGaT Center For Human Genetics Tuebingen Variant Classification Criteria Version 2. Collection method: clinical testing. Allele origin: germline. Affected: yes. Observed: 1 variant allele.
Comment: TNFAIP3: PM2:Supporting, BP4, BP7